The following is an entry in ClinVar:

ClinVar aggregate classification (germline): Conflicting classifications of pathogenicity. Review status: criteria provided, conflicting classifications (1 of 4 stars). 2 submissions from 2 submitters: Likely pathogenic (1); Uncertain significance (1). Last evaluated 2025-09-10.

Conditions:
Catecholaminergic polymorphic ventricular tachycardia 1. Also called: VENTRICULAR TACHYCARDIA, CATECHOLAMINERGIC POLYMORPHIC, 1, WITH OR WITHOUT ATRIAL DYSFUNCTION AND/OR DILATED CARDIOMYOPATHY; VENTRICULAR TACHYCARDIA, STRESS-INDUCED POLYMORPHIC 1; RYR2-Related Catecholaminergic Polymorphic Ventricular Tachycardia. Identifiers: Orphanet 3286, MedGen C1631597, MONDO:0011484, OMIM 604772.

Submissions (2):

Labcorp Genetics (formerly Invitae), Labcorp
Classification: Uncertain significance for Catecholaminergic polymorphic ventricular tachycardia 1. Last evaluated: 2025-09-10. Review status: criteria provided, single submitter. Criteria: Invitae Variant Classification Sherloc (09022015). Collection method: clinical testing. Allele origin: germline.
Comment: This sequence change replaces tryptophan, which is neutral and slightly polar, with arginine, which is basic and polar, at codon 3941 of the RYR2 protein (p.Trp3941Arg). This variant is not present in population databases (gnomAD no frequency). This missense change has been observed in individual(s) with catecholaminergic polymorphic ventricular tachycardia (internal data). ClinVar contains an entry for this variant (Variation ID: 3374735). Invitae Evidence Modeling of protein sequence and biophysical properties (such as structural, functional, and spatial information, amino acid conservation, physicochemical variation, residue mobility, and thermodynamic stability) indicates that this missense variant is expected to disrupt RYR2 protein function with a positive predictive value of 95%. In summary, the available evidence is currently insufficient to determine the role of this variant in disease. Therefore, it has been classified as a Variant of Uncertain Significance.

Molecular Genetics Laboratory, Motol Hospital
Classification: Likely pathogenic for Catecholaminergic polymorphic ventricular tachycardia 1. Last evaluated: 2024-11-07. Review status: criteria provided, single submitter. Criteria: ACMG Guidelines, 2015. Collection method: clinical testing. Allele origin: maternal. Affected: yes. Observed: 2 variant alleles.
Comment: The relevant medical/scientific publications report on familial transmission of causative RYR2 gene variants and their genotype-phenotype correlation (PMID:31112425;32152366;39095282). This novel missense variant segregates with the clinical manifestation of CPVT. To conclude, the variant is classified as likely pathogenic (ACMG PM1, PM2, PP1, PP2, PP3).

Literature cited by the submitters: PubMed 31112425 (cited by Molecular Genetics Laboratory, Motol Hospital); PubMed 32152366 (cited by Molecular Genetics Laboratory, Motol Hospital); PubMed 39095282 (cited by Molecular Genetics Laboratory, Motol Hospital).

NM_001035.3(RYR2):c.11821T>C (p.Trp3941Arg)

Gene: RYR2 (ryanodine receptor 2; plus strand). Cytogenetic location: 1q43.
Variant type: single nucleotide variant.
Coding change: c.11821T>C on transcript NM_001035.3 (MANE Select); coding-DNA position 11821, T replaced by C.
Protein change: p.Trp3941Arg; replaces tryptophan 3941 with arginine.
Molecular consequence: missense variant.
Genome position (GRCh38, 1-based): chr1:237,778,711, T>C. VCF-style: chr1-237778711-T-C. GRCh37 (hg19) VCF-style: chr1-237942011-T-C.
Other names: short protein forms W3941R.
Identifiers: ClinVar variation 3374735 (VCV003374735.3).